The following is an entry in ClinVar:

NM_001382567.1(STIM1):c.1774G>A (p.Glu592Lys)

Gene: STIM1 (stromal interaction molecule 1; plus strand). Cytogenetic location: 11p15.4.
Variant type: single nucleotide variant.
Coding change: c.1774G>A on transcript NM_001382567.1 (MANE Select); coding-DNA position 1774, G replaced by A.
Protein change: p.Glu592Lys; replaces glutamic acid 592 with lysine.
Molecular consequence: missense variant. On other transcripts: 3 prime UTR variant (4), non-coding transcript variant (3).
Genome position (GRCh38, 1-based): chr11:4,091,421, G>A. VCF-style: chr11-4091421-G-A. GRCh37 (hg19) VCF-style: chr11-4112651-G-A.
Other names: c.1999G>A, p.Glu667Lys (NM_001277961.3); c.*95G>A (NM_001277962.2, NM_001382578.1, NM_001382579.1 and 1 more transcripts); c.1777G>A, p.Glu593Lys (NM_001382566.1); c.1702G>A, p.Glu568Lys (NM_001382568.1); c.1546G>A, p.Glu516Lys (NM_001382569.1); c.1453G>A, p.Glu485Lys (NM_001382570.1); c.1201G>A, p.Glu401Lys (NM_001382571.1); c.1459G>A, p.Glu487Lys (NM_001382575.1, NM_001382576.1, NM_001382577.1); and 2 more; short protein forms E561K, E667K, E398K, E401K, E485K, E487K, E568K, E592K.
Identifiers: ClinVar variation 1411176 (VCV001411176.8), dbSNP rs200557274, ClinGen allele CA5830611.

ClinVar aggregate classification (germline): Uncertain significance (1 of 4 stars; one submission).

Conditions:
Combined immunodeficiency due to STIM1 deficiency. Also called: STIM1 DEFICIENCY; IMMUNODEFICIENCY 10. Identifiers: Orphanet 169090, Orphanet 317430, MedGen C2748557, MONDO:0013008, OMIM 612783.
Myopathy with tubular aggregates (TAM). Also called: Tubular Aggregate Myopathy. Identifiers: Orphanet 2593, MedGen C0410207, MONDO:0008051.
Stormorken syndrome (STRMK). Also called: THROMBOCYTOPATHY, ASPLENIA, AND MIOSIS. Identifiers: Orphanet 3204, MedGen C1861451, MONDO:0008497, OMIM 185070.

Allele frequency attached by ClinVar (database versions not stated): gnomAD exomes 0.00001 and 0.00002; TOPMed 0.00001; gnomAD 0.00001; ExAC 0.00002.

Submission:

Labcorp Genetics (formerly Invitae), Labcorp
Classification: Uncertain significance for Myopathy with tubular aggregates; Combined immunodeficiency due to STIM1 deficiency; Stormorken syndrome. Last evaluated: 2025-12-08. Review status: criteria provided, single submitter. Criteria: Invitae Variant Classification Sherloc (09022015). Collection method: clinical testing. Allele origin: germline.
Comment: This sequence change replaces glutamic acid, which is acidic and polar, with lysine, which is basic and polar, at codon 561 of the STIM1 protein (p.Glu561Lys). This variant is present in population databases (rs200557274, gnomAD 0.004%). This variant has not been reported in the literature in individuals affected with STIM1-related conditions. ClinVar contains an entry for this variant (Variation ID: 1411176). Invitae Evidence Modeling of protein sequence and biophysical properties (such as structural, functional, and spatial information, amino acid conservation, physicochemical variation, residue mobility, and thermodynamic stability) has been performed for this missense variant. However, the output from this modeling did not meet the statistical confidence thresholds required to predict the impact of this variant on STIM1 protein function. In summary, the available evidence is currently insufficient to determine the role of this variant in disease. Therefore, it has been classified as a Variant of Uncertain Significance.